The following is an entry in ClinVar:

NM_005529.7(HSPG2):c.8500TCC[2] (p.Ser2836del)

Gene: HSPG2 (heparan sulfate proteoglycan 2; minus strand). Cytogenetic location: 1p36.12.
Variant type: Microsatellite.
Coding change: c.8500TCC[2] on transcript NM_005529.7 (MANE Select); two copies in a row of the 3-base unit TCC starting at c.8500; the reference has three copies in a row; one copy, 3 bases deleted.
Protein change: p.Ser2836del; deletes serine 2836.
Molecular consequence: inframe deletion.
Genome position (GRCh38, 1-based): chr1:21,844,256-21,844,258, GGA deleted on the plus strand (TCC on the coding strand, the reverse complement: HSPG2 is on the minus strand); deleting any 3 consecutive bases within chr1:21,844,256-21,844,266 gives the same sequence; the position shown is the placement nearest the transcript's 3' end. VCF-style (leftmost placement, unchanged base first): chr1-21844255-GGGA-G. GRCh37 (hg19) VCF-style: chr1-22170748-GGGA-G.
Other names: c.8503TCC[2], p.Ser2837del (NM_001291860.2); short protein forms S2836del, S2837del.
Identifiers: ClinVar variation 2684227 (VCV002684227.1), dbSNP rs747521939, ClinGen allele CA670754.
Genomic context (GRCh38, chr1:21,844,255, plus strand): 5'-GGGCGTGGGCCTGCCCGGGCACCACGCACTTCAGATCCAGGGTCTGCCCTTCTGCCACTC[GGGA>G]GGAGGAGGGCTCGATGCGGATGGGTGGGGCTCCACCTGGGGCTGGGGCACAGGGGAGAGG-3'

ClinVar aggregate classification (germline): Uncertain significance (1 of 4 stars; one submission).

Submission:

Athena Diagnostics
Classification: Uncertain significance. Last evaluated: 2022-10-25. Review status: criteria provided, single submitter. Criteria: Athena Diagnostics Criteria. Collection method: clinical testing. Allele origin: unknown.
Comment: Available data are insufficient to determine the clinical significance of the variant at this time. The frequency of this variant in the general population is uninformative in assessment of its pathogenicity. Computational tools yielded predictions that this variant is unlikely to have an effect on normal RNA splicing.